The following is an entry in ClinVar:

NM_005896.4(IDH1):c.990T>G (p.Ile330Met)

Gene: IDH1 (isocitrate dehydrogenase (NADP(+)) 1; minus strand). Cytogenetic location: 2q34.
Variant type: single nucleotide variant.
Coding change: c.990T>G on transcript NM_005896.4 (MANE Select); coding-DNA position 990, T replaced by G.
Protein change: p.Ile330Met; replaces isoleucine 330 with methionine.
Molecular consequence: missense variant.
Genome position (GRCh38, 1-based): chr2:208,239,864, A>C on the plus strand (T>G on the coding strand, the complement: IDH1 is on the minus strand). VCF-style: chr2-208239864-A-C. GRCh37 (hg19) VCF-style: chr2-209104588-A-C.
Other names: c.990T>G, p.Ile330Met (NM_001282386.1, NM_001282387.1); short protein forms I330M.
Identifiers: ClinVar variation 3527511 (VCV003527511.1).

ClinVar aggregate classification (germline): Uncertain significance (1 of 4 stars; one submission).

Submission:

Ambry Genetics
Classification: Uncertain significance. Last evaluated: 2024-08-24. Review status: criteria provided, single submitter. Criteria: Ambry Variant Classification Scheme 2023. Collection method: clinical testing. Allele origin: germline.
Comment: The p.I330M variant (also known as c.990T>G), located in coding exon 6 of the IDH1 gene, results from a T to G substitution at nucleotide position 990. The isoleucine at codon 330 is replaced by methionine, an amino acid with highly similar properties. This amino acid position is conserved. In addition, the in silico prediction for this alteration is inconclusive. Based on the available evidence, the clinical significance of this variant remains unclear.